The following is an entry in ClinVar:

ClinVar aggregate classification (germline): Pathogenic. Review status: reviewed by expert panel (3 of 4 stars). 5 submissions from 5 submitters: Pathogenic (1). 4 of the submissions do not count toward it. Last evaluated 2024-06-13.

Conditions:
Severe combined immunodeficiency due to DCLRE1C deficiency (RS-SCID). Also called: SCID, AUTOSOMAL RECESSIVE, T CELL-NEGATIVE, B CELL-NEGATIVE, NK CELL-POSITIVE, WITH SENSITIVITY TO IONIZING RADIATION. Identifiers: Orphanet 275, MedGen C1865371, MONDO:0011225, OMIM 602450.
Histiocytic medullary reticulosis. Also called: SEVERE COMBINED IMMUNODEFICIENCY WITH HYPEREOSINOPHILIA; Omenn syndrome. Identifiers: Orphanet 39041, MedGen C2700553, MONDO:0011338, OMIM 603554.
Athabaskan severe combined immunodeficiency (SCIDA). Also called: Severe combined immunodeficiency, athabascan-type. Identifiers: MedGen C1865370.

Allele frequency attached by ClinVar (database versions not stated): gnomAD exomes 0.00001; ExAC 0.00002.
gnomAD v4.1: 9 of 1,613,194 alleles (0.00056%); highest among the groups gnomAD compares: East Asian, 0.0045%; no homozygotes.

Submissions (5):

ClinGen Severe Combined Immunodeficiency Variant Curation Expert Panel, ClinGen
Classification: Pathogenic for Severe combined immunodeficiency due to DCLRE1C deficiency. Last evaluated: 2024-06-13. Review status: reviewed by expert panel. Criteria: ClinGen SCID ACMG Specifications DCLRE1C V1.0.0. Collection method: curation. Allele origin: germline. Inheritance: Autosomal recessive inheritance.
Comment: The c.1147C>T (p.Arg383Ter)(NM_001033855.3) variant in DCLRE1C is a nonsense variant that is predicted to escape nonsense-mediated decay; however, removes >10% of the protein with known P/LP variants downstream (PVS1_Strong). The filtering allele frequency (the upper threshold of the 95% CI of 2/39692 alleles) of the c.1147C>T variant in DCLRE1C is 0.000008350 for East Asian chromosomes by gnomAD v4, which is lower than the ClinGen SCID VCEP threshold (<0.00003266) for PM2_Supporting, and therefore meets this criterion (PM2_Supporting). No homozygotes have been observed in gnomAD. This variant has been detected in at least three probands: two are homozygous for this variant PMIDs: 25917813 and 35482138, 1 pt. The third proband is compound heterozygous with c.109 + 2T>C (Paternal - At least Likely Pathogenic, PVS1, and PM2_Supporting) and c.1147C>T;p.R383X (Maternal). 1 pt (PMID: 37901335). Total is 2 pts, PM3_Strong. At least one patient in the literature presents: Diagnostic criteria for SCID/Leaky SCID/Omenn syndrome met (0.5 pts) + TmatB−NK+ (0.5 pts), increased cellular radiosensitivity (0.5 pts), and decreased V(D)J recombination (0.5 pts), totaling 2 points, PP4_Moderate (PMIDs: 25917813 and 19953608). In summary, this variant meets the criteria to be classified as Pathogenic for autosomal recessive severe combined immunodeficiency due to DCLRE1C deficiency based on the ACMG/AMP criteria applied, as specified by the ClinGen SCID VCEP: PVS1_Strong, PM2_Supporting, PM3_Strong, and PP4_Moderate (VCEP specifications version 1).

Natera, Inc.
Classification: Pathogenic for Athabascan severe combined immunodeficiency. Last evaluated: 2025-01-30. Review status: criteria provided, single submitter. Criteria: Natera Variant Classification Schema (03/2026). Collection method: clinical testing. Allele origin: germline. Not counted in ClinVar's aggregate classification.
Comment: The c.1147C>T variant in DCLRE1C is a nonsense variant predicted to introduce a stop codon at amino acid 383. This variant is expected to result in nonsense mediated decay, truncation, or a dysfunctional protein product. This variant is rare in the general population with a frequency below the threshold expected for the associated phenotype(s). This variant has been observed in one or more individuals affected with the associated recessive disease, as either homozygous or compound heterozygous with a second variant (PMID: 32888943, 19953608). Given the available evidence, this variant is classified as Pathogenic.

Labcorp Genetics (formerly Invitae), Labcorp
Classification: Pathogenic for Athabaskan severe combined immunodeficiency. Last evaluated: 2024-07-06. Review status: criteria provided, single submitter. Criteria: Invitae Variant Classification Sherloc (09022015). Collection method: clinical testing. Allele origin: germline. Not counted in ClinVar's aggregate classification.
Comment: This sequence change creates a premature translational stop signal (p.Arg383*) in the DCLRE1C gene. While this is not anticipated to result in nonsense mediated decay, it is expected to disrupt the last 310 amino acid(s) of the DCLRE1C protein. This variant is present in population databases (rs752241422, gnomAD 0.006%). This premature translational stop signal has been observed in individual(s) with SCID (PMID: 19953608). It has also been observed to segregate with disease in related individuals. ClinVar contains an entry for this variant (Variation ID: 1708141). Algorithms developed to predict the effect of variants on gene product structure and function are not available or were not evaluated for this variant. Experimental studies have shown that this premature translational stop signal affects DCLRE1C function (PMID: 19953608, 25917813). This variant disrupts a region of the DCLRE1C protein in which other variant(s) (p.Thr557Asnfs*21) have been determined to be pathogenic (PMID: 26476407). This suggests that this is a clinically significant region of the protein, and that variants that disrupt it are likely to be disease-causing. For these reasons, this variant has been classified as Pathogenic.

Laboratory of Medical Genetics, National & Kapodistrian University of Athens
Classification: Pathogenic for Severe combined immunodeficiency due to DCLRE1C deficiency. Last evaluated: 2022-02-24. Review status: criteria provided, single submitter. Criteria: ACMG Guidelines, 2015. Collection method: clinical testing. Allele origin: maternal. Affected: yes. Not counted in ClinVar's aggregate classification.
Comment: PVS1, PS3, PM2, PP3, PP5

Juno Genomics, Hangzhou Juno Genomics, Inc
Classification: Pathogenic for Histiocytic medullary reticulosis; Severe combined immunodeficiency due to DCLRE1C deficiency. Review status: criteria provided, single submitter. Criteria: ACMG Guidelines, 2015. Collection method: clinical testing. Allele origin: germline. Not counted in ClinVar's aggregate classification.
Comment: Absent from controls (or at extremely low frequency if recessive) in Genome Aggregation Database.;Null variant in a gene where loss of function (LOF) is a known mechanism of disease.;For recessive disorders, detected in trans with a pathogenic variant.;Patient's phenotype or family history is highly specific for a disease with a single genetic etiology.

Literature cited by the submitters: PubMed 32888943 (cited by Natera, Inc.); PubMed 19953608 (cited by Natera, Inc. and Labcorp Genetics (formerly Invitae), Labcorp); PubMed 25917813 (cited by Labcorp Genetics (formerly Invitae), Labcorp); PubMed 26476407 (cited by Labcorp Genetics (formerly Invitae), Labcorp).

NM_001033855.3(DCLRE1C):c.1147C>T (p.Arg383Ter)

Gene: DCLRE1C (DNA cross-link repair 1C; minus strand). Cytogenetic location: 10p13.
Variant type: single nucleotide variant.
Coding change: c.1147C>T on transcript NM_001033855.3 (MANE Select); coding-DNA position 1147, C replaced by T.
Protein change: p.Arg383Ter; replaces arginine 383 with a stop codon.
Molecular consequence: nonsense. On other transcripts: non-coding transcript variant (4).
Genome position (GRCh38, 1-based): chr10:14,919,747, G>A on the plus strand (C>T on the coding strand, the complement: DCLRE1C is on the minus strand). VCF-style: chr10-14919747-G-A. GRCh37 (hg19) VCF-style: chr10-14961746-G-A.
Other names: NM_001033855.3(DCLRE1C):c.1147C>T; p.Arg383Ter; c.787C>T, p.Arg263Ter (NM_001033857.3, NM_001033858.3, NM_001289077.2 and 2 more transcripts); c.802C>T, p.Arg268Ter (NM_001289076.2, NM_001289078.2, NM_001350966.2 and 1 more transcripts); c.1147C>T, p.Arg383Ter (NM_001350965.2); c.1147C>T (NM_001033855.2); short protein forms R263*, R268*, R383*.
Identifiers: ClinVar variation 1708141 (VCV001708141.9), dbSNP rs752241422, ClinGen allele CA5416545.